The following is an entry in ClinVar:

NM_032977.4(CASP10):c.814-15T>C

Gene: CASP10 (caspase 10; plus strand). Cytogenetic location: 2q33.1.
Variant type: single nucleotide variant.
Coding change: c.814-15T>C on transcript NM_032977.4 (MANE Select); 15 bases into the intron before coding-DNA position 814, T replaced by C.
Molecular consequence: intron variant.
Genome position (GRCh38, 1-based): chr2:201,208,060, T>C. VCF-style: chr2-201208060-T-C. GRCh37 (hg19) VCF-style: chr2-202072783-T-C.
Other names: c.814-15T>C (NM_032974.5); c.685-15T>C (NM_001206542.2, NM_001230.5); c.722-15T>C (NM_032976.4); c.722-1010T>C (NM_001206524.2).
Identifiers: ClinVar variation 4790533 (VCV004790533.1).
Genomic context (GRCh38, chr2:201,208,060, plus strand): 5'-TTGGAGTGGTTGGTTAGAAACATTTAAGGCCCTAAGATAAGGATTCCTACTAAGTGGCTC[T>C]ATCTATTCTTCAAGAGGGCAGCTGTGTACAGGATGAATCGGAACCACAGAGGCCTCTGTG-3'

ClinVar aggregate classification (germline): Uncertain significance (1 of 4 stars; one submission).

Conditions:
Autoimmune lymphoproliferative syndrome type 2A (ALPS2A). Also called: CASP10-Related Autoimmune Lymphoproliferative Syndrome; AUTOIMMUNE LYMPHOPROLIFERATIVE SYNDROME, TYPE IIA; Autoimmune lymphoproliferative syndrome type 2. Identifiers: Orphanet 3261, MedGen C1858968, MONDO:0011383, OMIM 603909.

gnomAD v4.1: 2 of 1,593,222 alleles (0.00013%); highest among the groups gnomAD compares: East Asian, 0.0045%; no homozygotes.

Submission:

Labcorp Genetics (formerly Invitae), Labcorp
Classification: Uncertain significance for Autoimmune lymphoproliferative syndrome type 2A. Last evaluated: 2026-01-27. Review status: criteria provided, single submitter. Criteria: Invitae Variant Classification Sherloc (09022015). Collection method: clinical testing. Allele origin: germline.
Comment: This sequence change falls in intron 7 of the CASP10 gene. It does not directly change the encoded amino acid sequence of the CASP10 protein. This variant is present in population databases (rs764264041, gnomAD 0.01%). This variant has not been reported in the literature in individuals affected with CASP10-related conditions. Algorithms developed to predict the effect of sequence changes on RNA splicing suggest that this variant may disrupt the consensus splice site. In summary, the available evidence is currently insufficient to determine the role of this variant in disease. Therefore, it has been classified as a Variant of Uncertain Significance.